The following is an entry in ClinVar:

ClinVar aggregate classification (germline): Uncertain significance. Review status: criteria provided, multiple submitters, no conflicts (2 of 4 stars). 2 submissions from 2 submitters: Uncertain significance (2). Last evaluated 2026-07-07.

Conditions:
Hereditary cancer-predisposing syndrome. Also called: Neoplastic Syndromes, Hereditary; Hereditary Cancer Syndrome; Tumor predisposition; Hereditary neoplastic syndrome. Identifiers: Orphanet 140162, MedGen C0027672, MeSH D009386, MONDO:0015356.
Gastrointestinal stromal tumor. Also called: Gastrointestinal stromal tumor, somatic; Gastrointestinal stroma tumor. Identifiers: Orphanet 44890, MedGen C0238198, MeSH D046152, MONDO:0011719, OMIM 606764, HP:0100723.

Submissions (2):

Ambry Genetics
Classification: Uncertain significance for Hereditary cancer-predisposing syndrome. Last evaluated: 2026-07-07. Review status: criteria provided, single submitter. Criteria: Ambry Variant Classification Scheme 2023. Collection method: clinical testing. Allele origin: germline.
Comment: The p.I756F variant (also known as c.2266A>T), located in coding exon 16 of the KIT gene, results from an A to T substitution at nucleotide position 2266. The isoleucine at codon 756 is replaced by phenylalanine, an amino acid with highly similar properties. This amino acid position is conserved. In addition, the in silico prediction for this alteration is inconclusive. Based on the available evidence, the clinical significance of this variant remains unclear.

Labcorp Genetics (formerly Invitae), Labcorp
Classification: Uncertain significance for Gastrointestinal stromal tumor. Last evaluated: 2019-10-31. Review status: criteria provided, single submitter. Criteria: Invitae Variant Classification Sherloc (09022015). Collection method: clinical testing. Allele origin: germline.
Comment: This sequence change replaces isoleucine with phenylalanine at codon 756 of the KIT protein (p.Ile756Phe). The isoleucine residue is highly conserved and there is a small physicochemical difference between isoleucine and phenylalanine. This variant is not present in population databases (ExAC no frequency). This variant has not been reported in the literature in individuals with KIT-related disease. ClinVar contains an entry for this variant (Variation ID: 409767). Algorithms developed to predict the effect of missense changes on protein structure and function do not agree on the potential impact of this missense change (SIFT: "Deleterious"; PolyPhen-2: "Benign"; Align-GVGD: "Class C0"). In summary, the available evidence is currently insufficient to determine the role of this variant in disease. Therefore, it has been classified as a Variant of Uncertain Significance.

NM_000222.3(KIT):c.2266A>T (p.Ile756Phe)

Gene: KIT (KIT proto-oncogene, receptor tyrosine kinase; plus strand). Cytogenetic location: 4q12.
Variant type: single nucleotide variant.
Coding change: c.2266A>T on transcript NM_000222.3 (MANE Select); coding-DNA position 2266, A replaced by T.
Protein change: p.Ile756Phe; replaces isoleucine 756 with phenylalanine.
Molecular consequence: missense variant.
Genome position (GRCh38, 1-based): chr4:54,731,903, A>T. VCF-style: chr4-54731903-A-T. GRCh37 (hg19) VCF-style: chr4-55598069-A-T.
Other names: c.2254A>T, p.Ile752Phe (NM_001093772.2, NM_001385292.1); c.2269A>T, p.Ile757Phe (NM_001385284.1); c.2263A>T, p.Ile755Phe (NM_001385285.1); c.2251A>T, p.Ile751Phe (NM_001385286.1); c.2257A>T, p.Ile753Phe (NM_001385288.1); c.2266A>T, p.Ile756Phe (NM_001385290.1); short protein forms I756F, I752F, I751F, I753F, I755F, I757F.
Identifiers: ClinVar variation 409767 (VCV000409767.12), dbSNP rs779862483, ClinGen allele CA16611515.